The following is an entry in ClinVar:

NM_001145073.3(USP27X):c.94G>A (p.Glu32Lys)

Gene: USP27X (ubiquitin specific peptidase 27 X-linked; plus strand). Cytogenetic location: Xp11.23.
Variant type: single nucleotide variant.
Coding change: c.94G>A on transcript NM_001145073.3 (MANE Select); coding-DNA position 94, G replaced by A.
Protein change: p.Glu32Lys; replaces glutamic acid 32 with lysine.
Molecular consequence: missense variant.
Genome position (GRCh38, 1-based): chrX:49,880,401, G>A. VCF-style: chrX-49880401-G-A. GRCh37 (hg19) VCF-style: chrX-49645004-G-A.
Other names: short protein forms E32K.
Identifiers: ClinVar variation 1031164 (VCV001031164.2), dbSNP rs369669737, ClinGen allele CA329772420.

ClinVar aggregate classification (germline): Uncertain significance. Review status: criteria provided, multiple submitters, no conflicts (2 of 4 stars). 2 submissions from 2 submitters: Uncertain significance (2). Last evaluated 2025-04-09.

Conditions:
Intellectual developmental disorder, X-linked 105. Also called: Intellectual disability, X-linked 105. Identifiers: MedGen C4310816, MONDO:0010510, OMIM 300984.
Inborn genetic diseases. Identifiers: MedGen C0950123, MeSH D030342.

Allele frequency attached by ClinVar (database versions not stated): TOPMed 0.00001; gnomAD 0.00001.

Submissions (2):

Ambry Genetics
Classification: Uncertain significance for Inborn genetic diseases. Last evaluated: 2025-04-09. Review status: criteria provided, single submitter. Criteria: Ambry Variant Classification Scheme 2023. Collection method: clinical testing. Allele origin: germline.

Baylor Genetics
Classification: Uncertain significance for Intellectual developmental disorder, X-linked 105. Last evaluated: 2019-12-16. Review status: criteria provided, single submitter. Criteria: ACMG Guidelines, 2015. Collection method: clinical testing. Allele origin: unknown. Affected: yes.
Comment: This variant was determined to be of uncertain significance according to ACMG Guidelines, 2015 [PMID:25741868].